The following is an entry in ClinVar:

NM_173500.4(TTBK2):c.2060G>A (p.Gly687Asp)

Gene: TTBK2 (tau tubulin kinase 2; minus strand). Cytogenetic location: 15q15.2.
Variant type: single nucleotide variant.
Coding change: c.2060G>A on transcript NM_173500.4 (MANE Select); coding-DNA position 2060, G replaced by A.
Protein change: p.Gly687Asp; replaces glycine 687 with aspartic acid.
Molecular consequence: missense variant.
Genome position (GRCh38, 1-based): chr15:42,753,186, C>T on the plus strand (G>A on the coding strand, the complement: TTBK2 is on the minus strand). VCF-style: chr15-42753186-C-T. GRCh37 (hg19) VCF-style: chr15-43045384-C-T.
Other names: short protein forms G687D.
Identifiers: ClinVar variation 2986848 (VCV002986848.3), dbSNP rs372443449, ClinGen allele CA269928166.
Genomic context (GRCh38, chr15:42,753,186, plus strand): 5'-GGAGAGTAAAGTTCCACAGTGGGCTCCATGGGCTGAAGATCTTTCTTCTCTGGCTGCTGA[C>T]CACAGTGAAAGCTTCCTGAAGTTGACTGTGTAGATGCCACAGAAGGTCTAGGAATTGTAA-3'
Protein context (NP_775771.3, residues 677-697): TQSTSGSFHC[Gly687Asp]QQPEKKDLQP

ClinVar aggregate classification (germline): Uncertain significance (1 of 4 stars; one submission).

gnomAD v4.1: 8 of 1,611,076 alleles (0.0005%); highest among the groups gnomAD compares: South Asian, 0.0089%; no homozygotes.

Submission:

Labcorp Genetics (formerly Invitae), Labcorp
Classification: Uncertain significance. Last evaluated: 2025-02-18. Review status: criteria provided, single submitter. Criteria: Invitae Variant Classification Sherloc (09022015). Collection method: clinical testing. Allele origin: germline.
Comment: This sequence change replaces glycine, which is neutral and non-polar, with aspartic acid, which is acidic and polar, at codon 687 of the TTBK2 protein (p.Gly687Asp). This variant is not present in population databases (gnomAD no frequency). This variant has not been reported in the literature in individuals affected with TTBK2-related conditions. ClinVar contains an entry for this variant (Variation ID: 2986848). Invitae Evidence Modeling of protein sequence and biophysical properties (such as structural, functional, and spatial information, amino acid conservation, physicochemical variation, residue mobility, and thermodynamic stability) indicates that this missense variant is not expected to disrupt TTBK2 protein function with a negative predictive value of 80%. In summary, the available evidence is currently insufficient to determine the role of this variant in disease. Therefore, it has been classified as a Variant of Uncertain Significance.